The following is an entry in ClinVar:

ClinVar aggregate classification (germline): Uncertain significance (1 of 4 stars; one submission).

gnomAD v4.1: 8 of 1,614,140 alleles (0.0005%); highest among the groups gnomAD compares: South Asian, 0.0011%; no homozygotes.

Submission:

Labcorp Genetics (formerly Invitae), Labcorp
Classification: Uncertain significance. Last evaluated: 2025-08-07. Review status: criteria provided, single submitter. Criteria: Invitae Variant Classification Sherloc (09022015). Collection method: clinical testing. Allele origin: germline.
Comment: This sequence change replaces arginine, which is basic and polar, with proline, which is neutral and non-polar, at codon 623 of the DUOX2 protein (p.Arg623Pro). This variant is present in population databases (rs368645273, gnomAD 0.003%). This variant has not been reported in the literature in individuals affected with DUOX2-related conditions. ClinVar contains an entry for this variant (Variation ID: 1429909). Invitae Evidence Modeling of protein sequence and biophysical properties (such as structural, functional, and spatial information, amino acid conservation, physicochemical variation, residue mobility, and thermodynamic stability) indicates that this missense variant is expected to disrupt DUOX2 protein function with a positive predictive value of 80%. In summary, the available evidence is currently insufficient to determine the role of this variant in disease. Therefore, it has been classified as a Variant of Uncertain Significance.

NM_001363711.2(DUOX2):c.1868G>C (p.Arg623Pro)

Gene: DUOX2 (dual oxidase 2; minus strand). Cytogenetic location: 15q21.1.
Variant type: single nucleotide variant.
Coding change: c.1868G>C on transcript NM_001363711.2 (MANE Select); coding-DNA position 1868, G replaced by C.
Protein change: p.Arg623Pro; replaces arginine 623 with proline.
Molecular consequence: missense variant.
Genome position (GRCh38, 1-based): chr15:45,106,605, C>G on the plus strand (G>C on the coding strand, the complement: DUOX2 is on the minus strand). VCF-style: chr15-45106605-C-G. GRCh37 (hg19) VCF-style: chr15-45398803-C-G.
Other names: c.1868G>C, p.Arg623Pro (NM_014080.5); short protein forms R623P.
Identifiers: ClinVar variation 1429909 (VCV001429909.5), dbSNP rs368645273, ClinGen allele CA7538467.
Genomic context (GRCh38, chr15:45,106,605, plus strand): 5'-GCTGCTTCCTTCTTCACGCTCTCTTTGAGTTTCTTTTGTAGCTTCTTGTGTTCTCGGCCC[C>G]GGAAATAGGCCACCACTCCAGAGAGAAGCAGACTCACTGAAGTGGATCAGAAGGAACAGT-3'
Protein context (NP_001350640.1, residues 613-633): LLLSGVVAYF[Arg623Pro]GREHKKLQKK